The following is an entry in ClinVar:

NM_000047.3(ARSL):c.24-1G>A

Gene: ARSL (arylsulfatase L; minus strand). Cytogenetic location: Xp22.33.
Variant type: single nucleotide variant.
Coding change: c.24-1G>A on transcript NM_000047.3 (MANE Select); the canonical splice acceptor site of the intron before coding-DNA position 24, G replaced by A.
Molecular consequence: splice acceptor variant. On other transcripts: intron variant (1).
Genome position (GRCh38, 1-based): chrX:2,958,436, C>T on the plus strand (G>A on the coding strand, the complement: ARSL is on the minus strand). VCF-style: chrX-2958436-C-T. GRCh37 (hg19) VCF-style: chrX-2876477-C-T.
Other names: c.99-1G>A (NM_001282628.2, NM_001369080.1); c.23+1942G>A (NM_001282631.2); c.51-1G>A (NM_001369079.1); c.24-1G>A (NM_000047.2).
Identifiers: ClinVar variation 1683210 (VCV001683210.11), dbSNP rs762627146, ClinGen allele CA10338267.

ClinVar aggregate classification (germline): Conflicting classifications of pathogenicity. Review status: criteria provided, conflicting classifications (1 of 4 stars). 4 submissions from 4 submitters: Pathogenic (1); Likely pathogenic (1); Uncertain significance (2). Last evaluated 2026-06-05.

Conditions:
Chondrodysplasia punctata, brachytelephalangic, autosomal. Also called: BRACHYTELEPHALANGIC CHONDRODYSPLASIA PUNCTATA. Identifiers: MedGen C1844853, MONDO:0011238, OMIM 602497.
X-linked chondrodysplasia punctata 1 (CDPX1). Also called: CHONDRODYSPLASIA PUNCTATA, BRACHYTELEPHALANGIC; Chondrodysplasia punctata, X-linked recessive. Identifiers: Orphanet 79345, MedGen C3669395, MONDO:0010555, OMIM 302950.
ARSL-related disorder. Also called: ARSL-related condition.

Allele frequency attached by ClinVar (database versions not stated): gnomAD exomes below 0.00001 and 0.00001; ExAC 0.00001; TOPMed 0.00001.
gnomAD v4.1: 3 of 1,211,757 alleles (0.00025%); highest among the groups gnomAD compares: Admixed American, 0.0043%; no homozygotes.

Submissions (4):

PreventionGenetics, part of Exact Sciences
Classification: Uncertain significance for ARSL-related condition. Last evaluated: 2026-06-05. Review status: criteria provided, single submitter. Criteria: ACMG Guidelines, 2015. Collection method: clinical testing. Allele origin: germline.
Comment: The ARSL c.24-1G>A variant is predicted to disrupt the AG splice acceptor site and interfere with normal splicing. This variant is predicted to abolish the exon 3 canonical AG acceptor site but also result in the creation of an alternate AG acceptor site that, if utilized, is predicted to result in an in-frame deletion (SpliceAI, Jaganathan et al. 2019. PubMed ID: 30661751). However, the use of computer prediction programs is not equivalent to functional evidence. To our knowledge, this variant has not been reported in the literature. This variant is reported in 0.0073% of alleles in individuals of Latino descent in gnomAD, including one hemizygote. Although we suspect that this variant may be pathogenic, at this time, the clinical significance of this variant is uncertain due to the absence of conclusive functional and genetic evidence.

GeneDx
Classification: Uncertain significance. Last evaluated: 2026-03-20. Review status: criteria provided, single submitter. Criteria: GeneDx Variant Classification Process June 2021. Collection method: clinical testing. Allele origin: germline.
Comment: Canonical splice site variant predicted to result in an in-frame loss of the adjacent exon in a gene for which loss of function is a known mechanism of disease; Has not been previously published as pathogenic or benign to our knowledge

Labcorp Genetics (formerly Invitae), Labcorp
Classification: Likely pathogenic for Chondrodysplasia punctata, brachytelephalangic, autosomal. Last evaluated: 2025-10-06. Review status: criteria provided, single submitter. Criteria: Invitae Variant Classification Sherloc (09022015). Collection method: clinical testing. Allele origin: germline.
Comment: This sequence change affects an acceptor splice site in intron 2 of the ARSE gene. It is expected to disrupt RNA splicing. Variants that disrupt the donor or acceptor splice site typically lead to a loss of protein function (PMID: 16199547), and loss-of-function variants in ARSE are known to be pathogenic (PMID: 9497243, 23470839). This variant is present in population databases (rs762627146, gnomAD 0.008%). This variant has not been reported in the literature in individuals affected with ARSE-related conditions. ClinVar contains an entry for this variant (Variation ID: 1683210). Algorithms developed to predict the effect of sequence changes on RNA splicing suggest that this variant may disrupt the consensus splice site. In summary, the currently available evidence indicates that the variant is pathogenic, but additional data are needed to prove that conclusively. Therefore, this variant has been classified as Likely Pathogenic.

3billion
Classification: Pathogenic for X-linked chondrodysplasia punctata 1. Last evaluated: 2023-02-23. Review status: criteria provided, single submitter. Criteria: ACMG Guidelines, 2015. Collection method: clinical testing. Allele origin: unknown. Affected: yes.
Comment: The variant is observed at an extremely low frequency in the gnomAD v2.1.1 dataset (total allele frequency: 0.001%). This variant was predicted to alter splicing and result in a loss or disruption of normal protein function. Multiple pathogenic loss-of-function variants are reported downstream of the variant. The variant has been reported to be associated with ARSL related disorder (ClinVar ID: VCV001683210). Therefore, this variant is classified as Pathogenic according to the recommendation of ACMG/AMP guideline.

Literature cited by the submitters: PubMed 16199547 (cited by Labcorp Genetics (formerly Invitae), Labcorp); PubMed 9497243 (cited by Labcorp Genetics (formerly Invitae), Labcorp); PubMed 23470839 (cited by Labcorp Genetics (formerly Invitae), Labcorp).